The following is an entry in ClinVar:

ClinVar aggregate classification (germline): Uncertain significance (1 of 4 stars; one submission).

gnomAD v4.1: 4 of 1,613,908 alleles (0.00025%); highest among the groups gnomAD compares: African/African-American, 0.0053%; no homozygotes.

Submission:

Labcorp Genetics (formerly Invitae), Labcorp
Classification: Uncertain significance. Last evaluated: 2025-07-13. Review status: criteria provided, single submitter. Criteria: Invitae Variant Classification Sherloc (09022015). Collection method: clinical testing. Allele origin: germline.
Comment: This sequence change replaces proline, which is neutral and non-polar, with leucine, which is neutral and non-polar, at codon 731 of the GANAB protein (p.Pro731Leu). This variant is not present in population databases (gnomAD no frequency). This variant has not been reported in the literature in individuals affected with GANAB-related conditions. Invitae Evidence Modeling of protein sequence and biophysical properties (such as structural, functional, and spatial information, amino acid conservation, physicochemical variation, residue mobility, and thermodynamic stability) indicates that this missense variant is expected to disrupt GANAB protein function with a positive predictive value of 80%. In summary, the available evidence is currently insufficient to determine the role of this variant in disease. Therefore, it has been classified as a Variant of Uncertain Significance.

NM_198334.3(GANAB):c.2126C>T (p.Pro709Leu)

Gene: GANAB (glucosidase II alpha subunit; minus strand). Cytogenetic location: 11q12.3.
Variant type: single nucleotide variant.
Coding change: c.2126C>T on transcript NM_198334.3 (MANE Select); coding-DNA position 2126, C replaced by T.
Protein change: p.Pro709Leu; replaces proline 709 with leucine.
Molecular consequence: missense variant.
Genome position (GRCh38, 1-based): chr11:62,628,823, G>A on the plus strand (C>T on the coding strand, the complement: GANAB is on the minus strand). VCF-style: chr11-62628823-G-A. GRCh37 (hg19) VCF-style: chr11-62396295-G-A.
Other names: c.1850C>T, p.Pro617Leu (NM_001278192.2); c.1784C>T, p.Pro595Leu (NM_001278193.2); c.1835C>T, p.Pro612Leu (NM_001278194.2, NM_001329222.2, NM_001329223.2); c.1403C>T, p.Pro468Leu (NM_001329224.2, NM_001329225.2); c.2192C>T, p.Pro731Leu (NM_198335.4); short protein forms P612L, P468L, P617L, P731L, P595L, P709L.
Identifiers: ClinVar variation 4699230 (VCV004699230.1).